The following is an entry in ClinVar:

NM_002880.4(RAF1):c.1418-15_1418-14insCTGGTATAGGGCAAAAGGAATGCCTTGGAGATTTATGTGCAAACTTAAAGCGTTTCTGTA

Gene: RAF1 (Raf-1 proto-oncogene, serine/threonine kinase; minus strand). Cytogenetic location: 3p25.2.
Variant type: Insertion.
Coding change: c.1418-15_1418-14insCTGGTATAGGGCAAAAGGAATGCCTTGGAGATTTATGTGCAAACTTAAAGCGTTTCTGTA on transcript NM_002880.4 (MANE Select); 15 bases into the intron before coding-DNA position 1418 through 14 bases into the intron before coding-DNA position 1418, CTGGTATAGGGCAAAAGGAATGCCTTGGAGATTTATGTGCAAACTTAAAGCGTTTCTGTA inserted.
Molecular consequence: intron variant.
Genome position: GRCh38: chr3:12,585,813-12,585,814. GRCh37 (hg19): chr3:12,627,312-12,627,313.
Other names: c.1076-15_1076-14insCTGGTATAGGGCAAAAGGAATGCCTTGGAGATTTATGTGCAAACTTAAAGCGTTTCTGTA (NM_001354695.3); c.1175-15_1175-14insCTGGTATAGGGCAAAAGGAATGCCTTGGAGATTTATGTGCAAACTTAAAGCGTTTCTGTA (NM_001354692.3, NM_001354691.3); c.1235-15_1235-14insCTGGTATAGGGCAAAAGGAATGCCTTGGAGATTTATGTGCAAACTTAAAGCGTTTCTGTA (NM_001354694.3); c.1319-15_1319-14insCTGGTATAGGGCAAAAGGAATGCCTTGGAGATTTATGTGCAAACTTAAAGCGTTTCTGTA (NM_001354693.3); c.1478-15_1478-14insCTGGTATAGGGCAAAAGGAATGCCTTGGAGATTTATGTGCAAACTTAAAGCGTTTCTGTA (NM_001354689.3); c.1418-15_1418-14insCTGGTATAGGGCAAAAGGAATGCCTTGGAGATTTATGTGCAAACTTAAAGCGTTTCTGTA (NM_001354690.3).
Identifiers: ClinVar variation 3718810 (VCV003718810.2).

ClinVar aggregate classification (germline): Uncertain significance (1 of 4 stars; one submission).

Conditions:
RASopathy. Also called: rasopathies; Noonan spectrum disorder. Identifiers: Orphanet 536391, MedGen C5555857, MONDO:0021060.

Submission:

Labcorp Genetics (formerly Invitae), Labcorp
Classification: Uncertain significance for RASopathy. Last evaluated: 2024-06-29. Review status: criteria provided, single submitter. Criteria: Invitae Variant Classification Sherloc (09022015). Collection method: clinical testing. Allele origin: germline.
Comment: This sequence change falls in intron 13 of the RAF1 gene. It does not directly change the encoded amino acid sequence of the RAF1 protein. This variant is not present in population databases (gnomAD no frequency). This variant has not been reported in the literature in individuals affected with RAF1-related conditions. In summary, the available evidence is currently insufficient to determine the role of this variant in disease. Therefore, it has been classified as a Variant of Uncertain Significance.